The following is an entry in ClinVar:

ClinVar aggregate classification (germline): Uncertain significance. Review status: criteria provided, multiple submitters, no conflicts (2 of 4 stars). 2 submissions from 2 submitters: Uncertain significance (2). Last evaluated 2024-03-27.

Allele frequency attached by ClinVar (database versions not stated): ExAC 0.00004; gnomAD 0.00004; TOPMed 0.00004.

Submissions (2):

GeneDx
Classification: Uncertain significance. Last evaluated: 2024-03-27. Review status: criteria provided, single submitter. Criteria: GeneDx Variant Classification Process June 2021. Collection method: clinical testing. Allele origin: germline. Affected: yes.
Comment: Has not been previously published as pathogenic or benign to our knowledge; In silico analysis supports that this missense variant does not alter protein structure/function; Variants in candidate genes are classified as variants of uncertain significance in accordance with ACMG guidelines (PMID: 25741868)

Ambry Genetics
Classification: Uncertain significance. Last evaluated: 2023-11-02. Review status: criteria provided, single submitter. Criteria: Ambry Variant Classification Scheme 2023. Collection method: clinical testing. Allele origin: germline.

NM_001018116.2(CAVIN4):c.814C>T (p.Arg272Cys)

Gene: CAVIN4 (caveolae associated protein 4; plus strand). Cytogenetic location: 9q31.1.
Variant type: single nucleotide variant.
Coding change: c.814C>T on transcript NM_001018116.2 (MANE Select); coding-DNA position 814, C replaced by T.
Protein change: p.Arg272Cys; replaces arginine 272 with cysteine.
Molecular consequence: missense variant.
Genome position (GRCh38, 1-based): chr9:100,586,170, C>T. VCF-style: chr9-100586170-C-T. GRCh37 (hg19) VCF-style: chr9-103348452-C-T.
Other names: c.814C>T (NM_001018116.1); short protein forms R272C.
Identifiers: ClinVar variation 1310913 (VCV001310913.4), dbSNP rs752495543, ClinGen allele CA5160165.
Genomic context (GRCh38, chr9:100,586,170, plus strand): 5'-GGGGAGAGGTTTAAGAAATCTATTTCTAATGCAGCTCCCTCAAAGGAAGCTTTTAAGATG[C>T]GCAGCCTCAGGAAAGGTAAGGACCGAACAGTGGCTGAAGGTGAGGAATGTGCCAGGGAGA-3'
Protein context (NP_001018126.1, residues 262-282): AAPSKEAFKM[Arg272Cys]SLRKGKDRTV